The following is an entry in ClinVar:

NM_004360.5(CDH1):c.2543T>C (p.Leu848Pro)

Gene: CDH1 (cadherin 1; plus strand). Cytogenetic location: 16q22.1.
Variant type: single nucleotide variant.
Coding change: c.2543T>C on transcript NM_004360.5 (MANE Select); coding-DNA position 2543, T replaced by C.
Protein change: p.Leu848Pro; replaces leucine 848 with proline.
Molecular consequence: missense variant.
Genome position (GRCh38, 1-based): chr16:68,833,393, T>C. VCF-style: chr16-68833393-T-C. GRCh37 (hg19) VCF-style: chr16-68867296-T-C.
Other names: c.2360T>C, p.Leu787Pro (NM_001317184.2); c.995T>C, p.Leu332Pro (NM_001317185.2); c.578T>C, p.Leu193Pro (NM_001317186.2); c.2543T>C (NM_004360.3); short protein forms L193P, L332P, L787P, L848P.
Identifiers: ClinVar variation 1424395 (VCV001424395.10), dbSNP rs767315263, ClinGen allele CA8130307.
Genomic context (GRCh38, chr16:68,833,393, plus strand): 5'-ATTCTCTGCTCGTGTTTGACTATGAAGGAAGCGGTTCCGAAGCTGCTAGTCTGAGCTCCC[T>C]GAACTCCTCAGAGTCAGACAAAGACCAGGACTATGACTACTTGAACGAATGGGGCAATCG-3'
Protein context (NP_004351.1, residues 838-858): SGSEAASLSS[Leu848Pro]NSSESDKDQD

ClinVar aggregate classification (germline): Uncertain significance. Review status: criteria provided, multiple submitters, no conflicts (2 of 4 stars). 4 submissions from 4 submitters: Uncertain significance (4). Last evaluated 2026-07-06.

Conditions:
Prostate cancer. Also called: Malignant tumor of prostate. Identifiers: Orphanet 1331, MedGen C0376358, MONDO:0008315, HP:0012125.
Hereditary cancer-predisposing syndrome. Also called: Neoplastic Syndromes, Hereditary; Tumor predisposition; Hereditary Cancer Syndrome; Hereditary neoplastic syndrome. Identifiers: Orphanet 140162, MedGen C0027672, MeSH D009386, MONDO:0015356.
Hereditary diffuse gastric adenocarcinoma (HDGC). Also called: DIFFUSE GASTRIC AND LOBULAR BREAST CANCER SYNDROME. Identifiers: Orphanet 26106, MedGen C1708349, MONDO:0007648, OMIM 137215.

Allele frequency attached by ClinVar (database versions not stated): gnomAD exomes 0.00001 and below 0.00001; ExAC 0.00002.
gnomAD v4.1: 5 of 1,614,122 alleles (0.00031%); highest among the groups gnomAD compares: South Asian, 0.0044%; no homozygotes.

Submissions (4):

Ambry Genetics
Classification: Uncertain significance for Hereditary cancer-predisposing syndrome. Last evaluated: 2026-07-06. Review status: criteria provided, single submitter. Criteria: Ambry Variant Classification Scheme 2023. Collection method: clinical testing. Allele origin: germline.
Comment: The p.L848P variant (also known as c.2543T>C), located in coding exon 16 of the CDH1 gene, results from a T to C substitution at nucleotide position 2543. The leucine at codon 848 is replaced by proline, an amino acid with similar properties. This amino acid position is conserved. In addition, this alteration is predicted to be deleterious by in silico analysis. Based on the available evidence, the clinical significance of this variant remains unclear.

Color Diagnostics, LLC DBA Color Health
Classification: Uncertain significance for Hereditary cancer-predisposing syndrome. Last evaluated: 2025-05-05. Review status: criteria provided, single submitter. Criteria: ACMG Guidelines, 2015. Collection method: clinical testing. Allele origin: germline.
Comment: This missense variant replaces leucine with proline at codon 848 of the CDH1 protein. To our knowledge, functional studies have not been reported for this variant. This variant has not been reported in individuals affected with CDH1-related disorders in the literature. This variant has been identified in 3/251484 chromosomes in the general population by the Genome Aggregation Database (gnomAD). The available evidence is insufficient to determine the role of this variant in disease conclusively. Therefore, this variant is classified as a Variant of Uncertain Significance.

Labcorp Genetics (formerly Invitae), Labcorp
Classification: Uncertain significance for Hereditary diffuse gastric adenocarcinoma. Last evaluated: 2023-02-26. Review status: criteria provided, single submitter. Criteria: Invitae Variant Classification Sherloc (09022015). Collection method: clinical testing. Allele origin: germline.
Comment: In summary, the available evidence is currently insufficient to determine the role of this variant in disease. Therefore, it has been classified as a Variant of Uncertain Significance. An algorithm developed to predict the effect of missense changes on protein structure and function (PolyPhen-2) suggests that this variant is likely to be disruptive. ClinVar contains an entry for this variant (Variation ID: 1424395). This variant has not been reported in the literature in individuals affected with CDH1-related conditions. This variant is present in population databases (rs767315263, gnomAD 0.01%). This sequence change replaces leucine, which is neutral and non-polar, with proline, which is neutral and non-polar, at codon 848 of the CDH1 protein (p.Leu848Pro).

Neuberg Centre For Genomic Medicine, NCGM
Classification: Uncertain significance for Familial prostate cancer. Last evaluated: 2023-02-14. Review status: criteria provided, single submitter. Criteria: ACMG Guidelines, 2015. Collection method: clinical testing. Allele origin: germline. Inheritance: Autosomal dominant inheritance. Affected: yes.